The following is an entry in ClinVar:

NM_182961.4(SYNE1):c.15725C>T (p.Ala5242Val)

Gene: SYNE1 (spectrin repeat containing nuclear envelope protein 1; minus strand). Cytogenetic location: 6q25.2.
Variant type: single nucleotide variant.
Coding change: c.15725C>T on transcript NM_182961.4 (MANE Select); coding-DNA position 15725, C replaced by T.
Protein change: p.Ala5242Val; replaces alanine 5242 with valine.
Molecular consequence: missense variant.
Genome position (GRCh38, 1-based): chr6:152,323,670, G>A on the plus strand (C>T on the coding strand, the complement: SYNE1 is on the minus strand). VCF-style: chr6-152323670-G-A. GRCh37 (hg19) VCF-style: chr6-152644805-G-A.
Other names: c.15512C>T, p.Ala5171Val (NM_033071.5); short protein forms A5171V, A5242V.
Identifiers: ClinVar variation 3759420 (VCV003759420.2).
Genomic context (GRCh38, chr6:152,323,670, plus strand): 5'-TCCAGCTCCAGAACGAACGTGTCGTGGTATTCAAGAAGAGTTAAGAGCTCTGCTTTCGAT[G>A]CTTTCTCTGCTGAACTTCCAGGTAACTTATCTTGCAGCTGATCAATCATTTCAGTGGCCT-3'
Protein context (NP_892006.3, residues 5232-5252): DKLPGSSAEK[Ala5242Val]SKAELLTLLE

ClinVar aggregate classification (germline): Uncertain significance (1 of 4 stars; one submission).

Conditions:
Emery-Dreifuss muscular dystrophy 4, autosomal dominant (EDMD4). Also called: EMERY-DREIFUSS MUSCULAR DYSTROPHY 4 WITH VARIABLE FEATURES. Identifiers: Orphanet 261, MedGen C2751807, MONDO:0013071, OMIM 612998.
Autosomal recessive ataxia, Beauce type. Also called: Spinocerebellar ataxia, autosomal recessive 8; ATAXIA, RECESSIVE, OF BEAUCE; SYNE1-Related Autosomal Recessive Cerebellar Ataxia; SYNE1 Deficiency. Identifiers: Orphanet 88644, MedGen C1853116, MONDO:0012549, OMIM 610743.

Submission:

Labcorp Genetics (formerly Invitae), Labcorp
Classification: Uncertain significance for Emery-Dreifuss muscular dystrophy 4, autosomal dominant; Autosomal recessive ataxia, Beauce type. Last evaluated: 2025-10-02. Review status: criteria provided, single submitter. Criteria: Invitae Variant Classification Sherloc (09022015). Collection method: clinical testing. Allele origin: germline.
Comment: This sequence change replaces alanine, which is neutral and non-polar, with valine, which is neutral and non-polar, at codon 5171 of the SYNE1 protein (p.Ala5171Val). This variant is not present in population databases (gnomAD no frequency). This variant has not been reported in the literature in individuals affected with SYNE1-related conditions. ClinVar contains an entry for this variant (Variation ID: 3759420). An algorithm developed to predict the effect of missense changes on protein structure and function (PolyPhen-2) suggests that this variant is likely to be tolerated. In summary, the available evidence is currently insufficient to determine the role of this variant in disease. Therefore, it has been classified as a Variant of Uncertain Significance.